The following is an entry in ClinVar:

NM_000188.3(HK1):c.1983C>T (p.Thr661=)

Gene: HK1 (hexokinase 1; plus strand). Cytogenetic location: 10q22.1.
Variant type: single nucleotide variant.
Coding change: c.1983C>T on transcript NM_000188.3 (MANE Select); coding-DNA position 1983, C replaced by T.
Protein change: p.Thr661=; no amino-acid change (threonine 661 retained).
Molecular consequence: synonymous variant.
Genome position (GRCh38, 1-based): chr10:69,389,244, C>T. VCF-style: chr10-69389244-C-T. GRCh37 (hg19) VCF-style: chr10-71149000-C-T.
Other names: p.Thr661=; c.1983C>T (NM_000188.2); c.1995C>T, p.Thr665= (NM_001322364.2, NM_001358263.1, NM_033497.3 and 1 more transcripts); c.2088C>T, p.Thr696= (NM_001322365.2); c.1899C>T, p.Thr633= (NM_001322366.1); c.1887C>T, p.Thr629= (NM_001322367.1); c.1980C>T, p.Thr660= (NM_033496.3); c.1947C>T, p.Thr649= (NM_033500.2).
Identifiers: ClinVar variation 1097666 (VCV001097666.13), dbSNP rs374291625, ClinGen allele CA5532745.

ClinVar aggregate classification (germline): Likely benign. Review status: criteria provided, multiple submitters, no conflicts (2 of 4 stars). 5 submissions from 5 submitters: Likely benign (5). Last evaluated 2025-12-04.

Conditions:
HK1-related disorder. Also called: HK1-related condition; HK1-related disorders.

Allele frequency attached by ClinVar (database versions not stated): gnomAD exomes 0.00001 and 0.00002; ExAC 0.00003; gnomAD 0.00012 and 0.00014; TOPMed 0.00014; ESP Exome Variant Server 0.00023.
gnomAD v4.1: 32 of 1,613,890 alleles (0.002%); highest among the groups gnomAD compares: African/African-American, 0.033%; no homozygotes.

Submissions (5):

PreventionGenetics, part of Exact Sciences
Classification: Likely benign for HK1-related condition. Last evaluated: 2025-12-04. Review status: criteria provided, single submitter. Criteria: ACMG Guidelines, 2015. Collection method: clinical testing. Allele origin: germline.
Comment: This variant is classified as likely benign based on ACMG/AMP sequence variant interpretation guidelines (Richards et al. 2015 PMID: 25741868, with internal and published modifications).

Mayo Clinic Laboratories, Mayo Clinic
Classification: Likely benign. Last evaluated: 2025-05-23. Review status: criteria provided, single submitter. Criteria: ACMG Guidelines, 2015. Collection method: clinical testing. Allele origin: germline. Observed: 1 variant allele.
Comment: BP4, BP7

Labcorp Genetics (formerly Invitae), Labcorp
Classification: Likely benign. Last evaluated: 2025-02-04. Review status: criteria provided, single submitter. Criteria: Invitae Variant Classification Sherloc (09022015). Collection method: clinical testing. Allele origin: germline.

ARUP Laboratories, Molecular Genetics and Genomics, ARUP Laboratories
Classification: Likely benign. Last evaluated: 2024-03-19. Review status: criteria provided, single submitter. Criteria: ARUP Molecular Germline Variant Investigation Process 2024. Collection method: clinical testing. Allele origin: germline.

Blueprint Genetics
Classification: Likely benign. Last evaluated: 2024-01-10. Review status: criteria provided, single submitter. Criteria: ACMG Guidelines, 2015. Collection method: clinical testing. Allele origin: germline.